The following is an entry in ClinVar:

ClinVar aggregate classification (germline): Uncertain significance. Review status: criteria provided, multiple submitters, no conflicts (2 of 4 stars). 4 submissions from 4 submitters: Uncertain significance (4). Last evaluated 2025-05-27.

Conditions:
Hereditary cancer-predisposing syndrome. Also called: Tumor predisposition; Hereditary neoplastic syndrome; Hereditary Cancer Syndrome; Neoplastic Syndromes, Hereditary. Identifiers: Orphanet 140162, MedGen C0027672, MeSH D009386, MONDO:0015356.
Hereditary nonpolyposis colorectal neoplasms. Identifiers: MedGen C0009405, MeSH D003123.
Endometrial carcinoma. Also called: Endometrial carcinoma, somatic. Identifiers: MedGen C0476089, MONDO:0002447, OMIM 608089, HP:0012114.

Submissions (4):

Labcorp Genetics (formerly Invitae), Labcorp
Classification: Uncertain significance for Hereditary nonpolyposis colorectal neoplasms. Last evaluated: 2025-05-27. Review status: criteria provided, single submitter. Criteria: Invitae Variant Classification Sherloc (09022015). Collection method: clinical testing. Allele origin: germline.
Comment: This sequence change replaces tyrosine, which is neutral and polar, with cysteine, which is neutral and slightly polar, at codon 709 of the MSH6 protein (p.Tyr709Cys). This variant is not present in population databases (gnomAD no frequency). This variant has not been reported in the literature in individuals affected with MSH6-related conditions. ClinVar contains an entry for this variant (Variation ID: 575433). Invitae Evidence Modeling of protein sequence and biophysical properties (such as structural, functional, and spatial information, amino acid conservation, physicochemical variation, residue mobility, and thermodynamic stability) indicates that this missense variant is expected to disrupt MSH6 protein function with a positive predictive value of 95%. In summary, the available evidence is currently insufficient to determine the role of this variant in disease. Therefore, it has been classified as a Variant of Uncertain Significance.

Ambry Genetics
Classification: Uncertain significance for Hereditary cancer-predisposing syndrome. Last evaluated: 2024-11-23. Review status: criteria provided, single submitter. Criteria: Ambry Variant Classification Scheme 2023. Collection method: clinical testing. Allele origin: germline.
Comment: The p.Y709C variant (also known as c.2126A>G), located in coding exon 4 of the MSH6 gene, results from an A to G substitution at nucleotide position 2126. The tyrosine at codon 709 is replaced by cysteine, an amino acid with highly dissimilar properties. This amino acid position is highly conserved in available vertebrate species. In addition, this alteration is predicted to be deleterious by in silico analysis. Since supporting evidence is limited at this time, the clinical significance of this alteration remains unclear.

Baylor Genetics
Classification: Uncertain significance for Endometrial carcinoma. Last evaluated: 2023-09-28. Review status: criteria provided, single submitter. Criteria: ACMG Guidelines, 2015. Collection method: clinical testing. Allele origin: unknown.

GeneDx
Classification: Uncertain significance. Last evaluated: 2021-05-05. Review status: criteria provided, single submitter. Criteria: GeneDx Variant Classification Process June 2021. Collection method: clinical testing. Allele origin: germline. Affected: yes.
Comment: Not observed in large population cohorts (Lek 2016); In silico analysis supports that this missense variant has a deleterious effect on protein structure/function; Has not been previously published as pathogenic or benign to our knowledge

NM_000179.3(MSH6):c.2126A>G (p.Tyr709Cys)

Gene: MSH6 (mutS homolog 6; plus strand). Cytogenetic location: 2p16.3.
Variant type: single nucleotide variant.
Coding change: c.2126A>G on transcript NM_000179.3 (MANE Select); coding-DNA position 2126, A replaced by G.
Protein change: p.Tyr709Cys; replaces tyrosine 709 with cysteine.
Molecular consequence: missense variant.
Genome position (GRCh38, 1-based): chr2:47,800,109, A>G. VCF-style: chr2-47800109-A-G. GRCh37 (hg19) VCF-style: chr2-48027248-A-G.
Other names: c.1736A>G, p.Tyr579Cys (NM_001281492.2); c.1220A>G, p.Tyr407Cys (NM_001281493.2, NM_001281494.2); short protein forms Y709C, Y407C, Y579C.
Identifiers: ClinVar variation 575433 (VCV000575433.15), dbSNP rs1558664366, ClinGen allele CA346751012.
Genomic context (GRCh38, chr2:47,800,109, plus strand): 5'-TCTACCTCAAAAAATGCCTTATTGATCAGGAGCTTTTATCAATGGCTAATTTTGAAGAAT[A>G]TATTCCCTTGGATTCTGACACAGTCAGCACTACAAGATCTGGTGCTATCTTCACCAAAGC-3'
Protein context (NP_000170.1, residues 699-719): ELLSMANFEE[Tyr709Cys]IPLDSDTVST